The following is an entry in ClinVar:

NM_022455.5(NSD1):c.3187A>G (p.Thr1063Ala)

Gene: NSD1 (nuclear receptor binding SET domain protein 1; plus strand). Cytogenetic location: 5q35.3.
Variant type: single nucleotide variant.
Coding change: c.3187A>G on transcript NM_022455.5 (MANE Select); coding-DNA position 3187, A replaced by G.
Protein change: p.Thr1063Ala; replaces threonine 1063 with alanine.
Molecular consequence: missense variant.
Genome position (GRCh38, 1-based): chr5:177,211,586, A>G. VCF-style: chr5-177211586-A-G. GRCh37 (hg19) VCF-style: chr5-176638587-A-G.
Other names: c.2314A>G, p.Thr772Ala (NM_001365684.2, NM_001409306.1, NM_001409307.1 and 3 more transcripts); c.3187A>G, p.Thr1063Ala (NM_001409301.1, NM_001409302.1, NM_001409303.1); c.2767A>G, p.Thr923Ala (NM_001409304.1); c.2434A>G, p.Thr812Ala (NM_001409305.1); short protein forms T794A, T923A, T812A, T772A.
Identifiers: ClinVar variation 96053 (VCV000096053.28), dbSNP rs193290006, ClinGen allele CA149196.

ClinVar aggregate classification (germline): Benign/Likely benign. Review status: criteria provided, multiple submitters, no conflicts (2 of 4 stars). 9 submissions from 9 submitters: Benign (6); Likely benign (2). 1 of the submissions does not count toward it. Last evaluated 2026-01-24.

Conditions:
NSD1-related disorder. Also called: NSD1-related condition.
Inborn genetic diseases. Identifiers: MedGen C0950123, MeSH D030342.
Sotos syndrome (SOTOS). Also called: Distinctive facial appearance, overgrowth in childhood, and learning disabilities or delayed development; SOTOS SYNDROME 1; Sotos' syndrome; CEREBRAL GIGANTISM; CHROMOSOME 5q35 DELETION SYNDROME. Identifiers: Orphanet 821, MedGen C0175695, MONDO:0019349, OMIM 117550.

Allele frequency attached by ClinVar (database versions not stated): gnomAD exomes 0.00020 and 0.00063; gnomAD 0.00025 and 0.00037; ExAC 0.00064; 1000 Genomes Project 0.00180; 1000 Genomes Project 30x 0.00203; TOPMed 0.00036.
gnomAD v4.1: 380 of 1,613,980 alleles (0.024%); highest among the groups gnomAD compares: East Asian, 0.63%; 4 homozygotes.

Submissions (9):

Labcorp Genetics (formerly Invitae), Labcorp
Classification: Benign. Last evaluated: 2026-01-24. Review status: criteria provided, single submitter. Criteria: Invitae Variant Classification Sherloc (09022015). Collection method: clinical testing. Allele origin: germline.

Blueprint Genetics
Classification: Benign. Last evaluated: 2024-11-01. Review status: criteria provided, single submitter. Criteria: ACMG Guidelines, 2015. Collection method: clinical testing. Allele origin: germline.

Fulgent Genetics
Classification: Likely benign for Sotos syndrome. Last evaluated: 2021-08-16. Review status: criteria provided, single submitter. Criteria: ACMG Guidelines, 2015. Collection method: clinical testing. Allele origin: unknown.

Genome-Nilou Lab
Classification: Benign for Sotos syndrome. Last evaluated: 2021-07-15. Review status: criteria provided, single submitter. Criteria: ACMG Guidelines, 2015. Collection method: clinical testing. Allele origin: germline. Affected: no.

GeneDx
Classification: Benign. Last evaluated: 2020-05-07. Review status: criteria provided, single submitter. Criteria: GeneDx Variant Classification Process June 2021. Collection method: clinical testing. Allele origin: germline. Affected: yes.
Comment: This variant is associated with the following publications: (PMID: 17565729)

Ambry Genetics
Classification: Likely benign for Inborn genetic diseases. Last evaluated: 2018-04-11. Review status: criteria provided, single submitter. Criteria: Ambry Variant Classification Scheme 2023. Collection method: clinical testing. Allele origin: germline.

Eurofins Ntd Llc (ga)
Classification: Benign. Last evaluated: 2013-10-16. Review status: criteria provided, single submitter. Criteria: EGL Classification Definitions 2015. Collection method: clinical testing. Allele origin: germline. Observed: 2 variant alleles, 2 heterozygotes.

Genetic Services Laboratory, University of Chicago
Classification: Benign. Last evaluated: 2013-02-08. Review status: criteria provided, single submitter. Criteria: ACMG Guidelines, 2007. Collection method: clinical testing. Allele origin: germline. Inheritance: Autosomal dominant inheritance.

PreventionGenetics, part of Exact Sciences
Classification: Benign for NSD1-related condition. Last evaluated: 2019-06-19. Review status: no assertion criteria provided. Collection method: clinical testing. Allele origin: germline. Not counted in ClinVar's aggregate classification.
Comment: This variant is classified as benign based on ACMG/AMP sequence variant interpretation guidelines (Richards et al. 2015 PMID: 25741868, with internal and published modifications).